The following is an entry in ClinVar:

NM_000130.5(F5):c.1968T>A (p.Asp656Glu)

Gene: F5 (coagulation factor V; minus strand). Cytogenetic location: 1q24.2.
Variant type: single nucleotide variant.
Coding change: c.1968T>A on transcript NM_000130.5 (MANE Select); coding-DNA position 1968, T replaced by A.
Protein change: p.Asp656Glu; replaces aspartic acid 656 with glutamic acid.
Molecular consequence: missense variant.
Genome position (GRCh38, 1-based): chr1:169,544,303, A>T on the plus strand (T>A on the coding strand, the complement: F5 is on the minus strand). VCF-style: chr1-169544303-A-T. GRCh37 (hg19) VCF-style: chr1-169513541-A-T.
Other names: short protein forms D656E.
Identifiers: ClinVar variation 4751627 (VCV004751627.1).

ClinVar aggregate classification (germline): Uncertain significance (1 of 4 stars; one submission).

Conditions:
Congenital factor V deficiency. Also called: LABILE FACTOR DEFICIENCY; OWREN PARAHEMOPHILIA; PARAHEMOPHILIA; Hereditary factor V deficiency disease. Identifiers: Orphanet 326, MedGen C0015499, MONDO:0009210, OMIM 227400.

gnomAD v4.1: 28 of 1,613,670 alleles (0.0017%); highest among the groups gnomAD compares: African/African-American, 0.036%; no homozygotes.

Submission:

Labcorp Genetics (formerly Invitae), Labcorp
Classification: Uncertain significance for Congenital factor V deficiency. Last evaluated: 2025-03-10. Review status: criteria provided, single submitter. Criteria: Invitae Variant Classification Sherloc (09022015). Collection method: clinical testing. Allele origin: germline.
Comment: This sequence change replaces aspartic acid, which is acidic and polar, with glutamic acid, which is acidic and polar, at codon 656 of the F5 protein (p.Asp656Glu). This variant is present in population databases (rs377129115, gnomAD 0.05%). This variant has not been reported in the literature in individuals affected with F5-related conditions. Invitae Evidence Modeling of protein sequence and biophysical properties (such as structural, functional, and spatial information, amino acid conservation, physicochemical variation, residue mobility, and thermodynamic stability) indicates that this missense variant is expected to disrupt F5 protein function with a positive predictive value of 80%. In summary, the available evidence is currently insufficient to determine the role of this variant in disease. Therefore, it has been classified as a Variant of Uncertain Significance.